The following is an entry in ClinVar:

ClinVar aggregate classification (germline): Conflicting classifications of pathogenicity. Review status: criteria provided, conflicting classifications (1 of 4 stars). 4 submissions from 4 submitters: Uncertain significance (1); Likely benign (3). Last evaluated 2024-10-31.

Conditions:
Hereditary cancer-predisposing syndrome. Also called: Neoplastic Syndromes, Hereditary; Hereditary Cancer Syndrome; Tumor predisposition; Hereditary neoplastic syndrome. Identifiers: Orphanet 140162, MedGen C0027672, MeSH D009386, MONDO:0015356.
Familial melanoma. Also called: Hereditary melanoma; Hereditary cutaneous melanoma. Identifiers: Orphanet 618, MedGen C1512419, MONDO:0018961.

Allele frequency attached by ClinVar (database versions not stated): gnomAD 0.00001; 1000 Genomes Project 30x 0.00016; 1000 Genomes Project 0.00020.

Submissions (4):

Labcorp Genetics (formerly Invitae), Labcorp
Classification: Likely benign for Familial melanoma. Last evaluated: 2024-10-31. Review status: criteria provided, single submitter. Criteria: Invitae Variant Classification Sherloc (09022015). Collection method: clinical testing. Allele origin: germline.

Ambry Genetics
Classification: Uncertain significance for Hereditary cancer-predisposing syndrome. Last evaluated: 2024-04-26. Review status: criteria provided, single submitter. Criteria: Ambry Variant Classification Scheme 2023. Collection method: clinical testing. Allele origin: germline.
Comment: The p.G74S variant (also known as c.220G>A), located in coding exon 2 of the CDKN2A gene, results from a G to A substitution at nucleotide position 220 of the p14 protein-encoding isoform. The glycine at codon 74 is replaced by serine, an amino acid with similar properties. This alteration does not result in an amino-acid change in the p16-encoding isoform of CDKN2A. This amino acid position is not well conserved in available vertebrate species, and serine is the reference amino acid in other vertebrate species. In addition, the in silico prediction for this alteration is inconclusive. Based on the available evidence, the clinical significance of this variant remains unclear.

Women's Health and Genetics/Laboratory Corporation of America, LabCorp
Classification: Likely benign. Last evaluated: 2023-05-28. Review status: criteria provided, single submitter. Criteria: LabCorp Variant Classification Summary - May 2015. Collection method: clinical testing. Allele origin: germline.

Color Diagnostics, LLC DBA Color Health
Classification: Likely benign for Hereditary cancer-predisposing syndrome. Last evaluated: 2016-03-21. Review status: criteria provided, single submitter. Criteria: ACMG Guidelines, 2015. Collection method: clinical testing. Allele origin: germline.

NM_000077.5(CDKN2A):c.177G>A (p.Val59=)

Gene: CDKN2A (cyclin dependent kinase inhibitor 2A; minus strand). Cytogenetic location: 9p21.3.
Variant type: single nucleotide variant.
Coding change: c.177G>A on transcript NM_000077.5; coding-DNA position 177, G replaced by A.
Protein change: p.Val59=; no amino-acid change (valine 59 retained).
Molecular consequence: synonymous variant (on NM_000077.6). On other transcripts: missense variant (1), 3 prime UTR variant (1).
Genome position (GRCh38, 1-based): chr9:21,971,182, C>T on the plus strand (G>A on the coding strand, the complement: CDKN2A is on the minus strand). VCF-style: chr9-21971182-C-T. GRCh37 (hg19) VCF-style: chr9-21971181-C-T.
Other names: c.177G>A, p.Val59= (NM_000077.6, NM_001195132.2); c.24G>A, p.Val8= (NM_001363763.2); c.220G>A, p.Gly74Ser (NM_058195.4); c.*100G>A (NM_058197.5); short protein forms G74S.
Identifiers: ClinVar variation 233839 (VCV000233839.12), dbSNP rs527503775, ClinGen allele CA10578847.